The following is an entry in ClinVar:

ClinVar aggregate classification (germline): Conflicting classifications of pathogenicity. Review status: criteria provided, conflicting classifications (1 of 4 stars). 4 submissions from 4 submitters: Uncertain significance (2); Benign (1); Likely benign (1). Last evaluated 2025-04-17.

Conditions:
Familial thoracic aortic aneurysm and aortic dissection (TAAD). Also called: Thoracic aortic aneurysms and dissections. Identifiers: Orphanet 91387, MedGen C4707243, MONDO:0019625.
Adams-Oliver syndrome 5 (AOS5). Identifiers: Orphanet 974, MedGen C4014970, MONDO:0014459, OMIM 616028.

Allele frequency attached by ClinVar (database versions not stated): TOPMed 0.00009; 1000 Genomes Project 30x 0.00047.
gnomAD v4.1: 83 of 1,609,254 alleles (0.0052%); highest among the groups gnomAD compares: East Asian, 0.0089%; no homozygotes.

Submissions (4):

Labcorp Genetics (formerly Invitae), Labcorp
Classification: Benign for Adams-Oliver syndrome 5. Last evaluated: 2025-04-17. Review status: criteria provided, single submitter. Criteria: Invitae Variant Classification Sherloc (09022015). Collection method: clinical testing. Allele origin: germline.

Ambry Genetics
Classification: Uncertain significance for Familial thoracic aortic aneurysm and aortic dissection. Last evaluated: 2024-09-02. Review status: criteria provided, single submitter. Criteria: Ambry Variant Classification Scheme 2023. Collection method: clinical testing. Allele origin: germline.
Comment: The p.G2152S variant (also known as c.6454G>A), located in coding exon 34 of the NOTCH1 gene, results from a G to A substitution at nucleotide position 6454. The glycine at codon 2152 is replaced by serine, an amino acid with similar properties. This amino acid position is conserved. In addition, this alteration is predicted to be tolerated by in silico analysis. Since supporting evidence is limited at this time, the clinical significance of this alteration remains unclear.

CHEO Genetics Diagnostic Laboratory, Children's Hospital of Eastern Ontario
Classification: Uncertain significance for Familial thoracic aortic aneurysm and aortic dissection. Last evaluated: 2022-12-07. Review status: criteria provided, single submitter. Criteria: ACMG Guidelines, 2015. Collection method: clinical testing. Allele origin: germline.

GeneDx
Classification: Likely benign. Last evaluated: 2021-03-15. Review status: criteria provided, single submitter. Criteria: GeneDx Variant Classification Process June 2021. Collection method: clinical testing. Allele origin: germline. Affected: yes.

NM_017617.5(NOTCH1):c.6454G>A (p.Gly2152Ser)

Gene: NOTCH1 (notch receptor 1; minus strand). Cytogenetic location: 9q34.3.
Variant type: single nucleotide variant.
Coding change: c.6454G>A on transcript NM_017617.5 (MANE Select); coding-DNA position 6454, G replaced by A.
Protein change: p.Gly2152Ser; replaces glycine 2152 with serine.
Molecular consequence: missense variant.
Genome position (GRCh38, 1-based): chr9:136,497,285, C>T on the plus strand (G>A on the coding strand, the complement: NOTCH1 is on the minus strand). VCF-style: chr9-136497285-C-T. GRCh37 (hg19) VCF-style: chr9-139391737-C-T.
Other names: c.6454G>A, p.Gly2152Ser (LRG_1122t1); short protein forms G2152S.
Identifiers: ClinVar variation 515554 (VCV000515554.14), dbSNP rs116317506, ClinGen allele CA5339896.
Genomic context (GRCh38, chr9:136,497,285, plus strand): 5'-CCTTGCTTCCACAGGCCAGGCCTTTGCTGCTGGGCTTGCGGACCTTCTTGCCCTGCACGC[C>T]GGGCTTGAGGCTGCCCAGGTAGCCGTTGGGCGAGCAGAGCGGGGGCGACAGGGTGGGCGT-3'
Protein context (NP_060087.3, residues 2142-2162): PNGYLGSLKP[Gly2152Ser]VQGKKVRKPS